The following is an entry in ClinVar:

ClinVar aggregate classification (germline): Uncertain significance (1 of 4 stars; one submission).

Conditions:
Neurodevelopmental disorder with or without seizures and gait abnormalities. Identifiers: MedGen C4693391, MONDO:0060641, OMIM 617864.

Submission:

Foundation for Research in Genetics and Endocrinology, FRIGE's Institute of Human Genetics
Classification: Uncertain significance for Neurodevelopmental disorder with or without seizures and gait abnormalities. Last evaluated: 2022-03-24. Review status: criteria provided, single submitter. Criteria: ACMG Guidelines, 2015. Collection method: clinical testing. Allele origin: germline. Inheritance: Autosomal dominant inheritance. Affected: yes. Observed: 1 heterozygote.
Comment: A heterozygous missense variation in exon 8 of the GRIA4 gene that results in the amino acid substitution of Methionine for Valine at codon 307 was detected. The observed variant c.919G>A (p.Val307Met) has not been reported in the 1000 genomes and gnomAd databases. The in silico prediction of the variant are possibly damaging by PolyPhen-2 (HumDiv) and damaging by LRT and MutationTaster2. The reference codon is conserved across species. In summary, the variant meets our criteria to be classified as uncertain pathogenic.

NM_000829.4(GRIA4):c.919G>A (p.Val307Met)

Gene: GRIA4 (glutamate ionotropic receptor AMPA type subunit 4; plus strand). Cytogenetic location: 11q22.3.
Variant type: single nucleotide variant.
Coding change: c.919G>A on transcript NM_000829.4 (MANE Select); coding-DNA position 919, G replaced by A.
Protein change: p.Val307Met; replaces valine 307 with methionine.
Molecular consequence: missense variant. On other transcripts: non-coding transcript variant (1).
Genome position (GRCh38, 1-based): chr11:105,903,847, G>A. VCF-style: chr11-105903847-G-A. GRCh37 (hg19) VCF-style: chr11-105774573-G-A.
Other names: p.Val307Met; c.919G>A, p.Val307Met (NM_001077243.3, NM_001077244.2, NM_001112812.2); short protein forms V307M.
Identifiers: ClinVar variation 1707597 (VCV001707597.3), dbSNP rs767336514, ClinGen allele CA382303238.